The following is an entry in ClinVar:

NM_002880.4(RAF1):c.37A>G (p.Asn13Asp)

Gene: RAF1 (Raf-1 proto-oncogene, serine/threonine kinase; minus strand). Cytogenetic location: 3p25.2.
Variant type: single nucleotide variant.
Coding change: c.37A>G on transcript NM_002880.4 (MANE Select); coding-DNA position 37, A replaced by G.
Protein change: p.Asn13Asp; replaces asparagine 13 with aspartic acid.
Molecular consequence: missense variant. On other transcripts: 5 prime UTR variant (4), non-coding transcript variant (3).
Genome position (GRCh38, 1-based): chr3:12,618,685, T>C on the plus strand (A>G on the coding strand, the complement: RAF1 is on the minus strand). VCF-style: chr3-12618685-T-C. GRCh37 (hg19) VCF-style: chr3-12660184-T-C.
Other names: c.37A>G, p.Asn13Asp (NM_001354689.3, NM_001354690.3, NM_001354693.3); c.-94A>G (NM_001354691.3, NM_001354692.3, NM_001354694.3 and 1 more transcripts); short protein forms N13D.
Identifiers: ClinVar variation 1735033 (VCV001735033.8), dbSNP rs1382771046, ClinGen allele CA351485209.

ClinVar aggregate classification (germline): Uncertain significance. Review status: criteria provided, multiple submitters, no conflicts (2 of 4 stars). 2 submissions from 2 submitters: Uncertain significance (2). Last evaluated 2025-07-28.

Conditions:
Cardiovascular phenotype. Identifiers: MedGen CN230736.
RASopathy. Also called: rasopathies; Noonan spectrum disorder. Identifiers: Orphanet 536391, MedGen C5555857, MONDO:0021060.

Allele frequency attached by ClinVar (database versions not stated): TOPMed 0.00001.

Submissions (2):

Labcorp Genetics (formerly Invitae), Labcorp
Classification: Uncertain significance for RASopathy. Last evaluated: 2025-07-28. Review status: criteria provided, single submitter. Criteria: Invitae Variant Classification Sherloc (09022015). Collection method: clinical testing. Allele origin: germline.
Comment: This sequence change replaces asparagine, which is neutral and polar, with aspartic acid, which is acidic and polar, at codon 13 of the RAF1 protein (p.Asn13Asp). This variant is not present in population databases (gnomAD no frequency). This variant has not been reported in the literature in individuals affected with RAF1-related conditions. ClinVar contains an entry for this variant (Variation ID: 1735033). Invitae Evidence Modeling incorporating data from in vitro experimental studies (internal data) indicates that this missense variant is not expected to disrupt RAF1 function with a negative predictive value of 80%. In summary, the available evidence is currently insufficient to determine the role of this variant in disease. Therefore, it has been classified as a Variant of Uncertain Significance.

Ambry Genetics
Classification: Uncertain significance for Cardiovascular phenotype. Last evaluated: 2025-06-09. Review status: criteria provided, single submitter. Criteria: Ambry Variant Classification Scheme 2023. Collection method: clinical testing. Allele origin: germline.
Comment: The p.N13D variant (also known as c.37A>G), located in coding exon 1 of the RAF1 gene, results from an A to G substitution at nucleotide position 37. The asparagine at codon 13 is replaced by aspartic acid, an amino acid with highly similar properties. This amino acid position is conserved. In addition, this alteration is predicted to be tolerated by in silico analysis. Since supporting evidence is limited at this time, the clinical significance of this alteration remains unclear.